The following is an entry in ClinVar:

NM_001042492.3(NF1):c.2671G>C (p.Val891Leu)

Gene: NF1 (neurofibromin 1; plus strand). Cytogenetic location: 17q11.2.
Variant type: single nucleotide variant.
Coding change: c.2671G>C on transcript NM_001042492.3 (MANE Select); coding-DNA position 2671, G replaced by C.
Protein change: p.Val891Leu; replaces valine 891 with leucine.
Molecular consequence: missense variant.
Genome position (GRCh38, 1-based): chr17:31,229,286, G>C. VCF-style: chr17-31229286-G-C. GRCh37 (hg19) VCF-style: chr17-29556304-G-C.
Other names: c.2671G>C, p.Val891Leu (NM_000267.4); short protein forms V891L.
Identifiers: ClinVar variation 404435 (VCV000404435.14), dbSNP rs1060500256, ClinGen allele CA16615185.

ClinVar aggregate classification (germline): Uncertain significance. Review status: criteria provided, multiple submitters, no conflicts (2 of 4 stars). 5 submissions from 4 submitters: Uncertain significance (5). Last evaluated 2024-11-18.

Conditions:
Hereditary cancer-predisposing syndrome. Also called: Tumor predisposition; Neoplastic Syndromes, Hereditary; Hereditary Cancer Syndrome; Hereditary neoplastic syndrome. Identifiers: Orphanet 140162, MedGen C0027672, MeSH D009386, MONDO:0015356.
Cardiovascular phenotype. Identifiers: MedGen CN230736.
Juvenile myelomonocytic leukemia (JMML). Also called: LEUKEMIA, JUVENILE MYELOMONOCYTIC, SOMATIC. Identifiers: Orphanet 86834, MedGen C0349639, MONDO:0011908, OMIM 607785, HP:0012209.
Neurofibromatosis, type 1 (NF1). Also called: Neurofibromatosis, type I; NEUROFIBROMATOSIS, TYPE I, SOMATIC; Peripheral type neurofibromatosis; VON RECKLINGHAUSEN DISEASE. Identifiers: Orphanet 636, MedGen C0027831, MONDO:0018975, OMIM 162200. Disease mechanism: loss of function.

Allele frequency attached by ClinVar (database versions not stated): gnomAD 0.00001; gnomAD exomes 0.00001.
gnomAD v4.1: 4 of 1,613,878 alleles (0.00025%); highest among the groups gnomAD compares: Non-Finnish European, 0.00034%; no homozygotes.

Submissions (5):

Labcorp Genetics (formerly Invitae), Labcorp
Classification: Uncertain significance for Neurofibromatosis, type 1. Last evaluated: 2024-11-18. Review status: criteria provided, single submitter. Criteria: Invitae Variant Classification Sherloc (09022015). Collection method: clinical testing. Allele origin: germline.
Comment: This sequence change replaces valine, which is neutral and non-polar, with leucine, which is neutral and non-polar, at codon 891 of the NF1 protein (p.Val891Leu). This variant is not present in population databases (gnomAD no frequency). This variant has not been reported in the literature in individuals affected with NF1-related conditions. ClinVar contains an entry for this variant (Variation ID: 404435). Invitae Evidence Modeling of protein sequence and biophysical properties (such as structural, functional, and spatial information, amino acid conservation, physicochemical variation, residue mobility, and thermodynamic stability) indicates that this missense variant is not expected to disrupt NF1 protein function with a negative predictive value of 95%. In summary, the available evidence is currently insufficient to determine the role of this variant in disease. Therefore, it has been classified as a Variant of Uncertain Significance.

Baylor Genetics
Classification: Uncertain significance for Juvenile myelomonocytic leukemia. Last evaluated: 2023-08-05. Review status: criteria provided, single submitter. Criteria: ACMG Guidelines, 2015. Collection method: clinical testing. Allele origin: unknown.

Genome-Nilou Lab
Classification: Uncertain significance for Neurofibromatosis, type 1. Last evaluated: 2022-03-15. Review status: criteria provided, single submitter. Criteria: ACMG Guidelines, 2015. Collection method: clinical testing. Allele origin: germline. Affected: no.

Ambry Genetics
Classification: Uncertain significance for Cardiovascular phenotype; Hereditary cancer-predisposing syndrome. Last evaluated: 2021-04-05. Review status: criteria provided, single submitter. Criteria: Ambry Variant Classification Scheme 2023. Collection method: clinical testing. Allele origin: germline.

Ambry Genetics
Classification: Uncertain significance for Hereditary cancer-predisposing syndrome. Last evaluated: 2016-02-17. Review status: criteria provided, single submitter. Criteria: Ambry Autosomal Dominant and X-Linked criteria (10/2015). Collection method: clinical testing. Allele origin: germline. Observed: 1 variant allele.
Comment: The p.V891L variant (also known as c.2671G>C), located in coding exon 21 of the NF1 gene, results from a G to C substitution at nucleotide position 2671. The valine at codon 891 is replaced by leucine, an amino acid with highly similar properties. This variant was not reported in population based cohorts in the following databases: Database of Single Nucleotide Polymorphisms (dbSNP), NHLBI Exome Sequencing Project (ESP), and 1000 Genomes Project. In the ESP, this variant was not observed in 6503 samples (13006 alleles) with coverage at this position. To date, this alteration has been detected with an allele frequency of approximately 0.001% (greater than 110000 alleles tested) in our clinical cohort.This amino acid position is highly conserved in available vertebrate species. In addition, the in silico prediction for this alteration is inconclusive.Since supporting evidence is limited at this time, the clinical significance of this alterationremains unclear.